The following continues an entry in ClinVar:

NM_001918.5(DBT):c.1210-10T>A

Gene: DBT. ClinVar aggregate classification (germline): Benign. Benign (9).

Submissions 31 to 50 of 50:

Dr. Peter K. Rogan Lab, Western University
No classification provided (evidence only). Condition: Sarcoma. Review status: no classification provided. Collection method: in vitro. Allele origin: not applicable. Functional consequence: skipped exon, retained intron. Not counted in ClinVar's aggregate classification.

Dr. Peter K. Rogan Lab, Western University
No classification provided (evidence only). Condition: Gastric cancer. Review status: no classification provided. Collection method: in vitro. Allele origin: not applicable. Functional consequence: retained intron. Not counted in ClinVar's aggregate classification.

Dr. Peter K. Rogan Lab, Western University
No classification provided (evidence only). Condition: Gastric cancer. Review status: no classification provided. Collection method: in vitro. Allele origin: not applicable. Functional consequence: retained intron. Not counted in ClinVar's aggregate classification.

Dr. Peter K. Rogan Lab, Western University
No classification provided (evidence only). Condition: Uveal melanoma. Review status: no classification provided. Collection method: in vitro. Allele origin: not applicable. Functional consequence: retained intron. Not counted in ClinVar's aggregate classification.

Dr. Peter K. Rogan Lab, Western University
No classification provided (evidence only). Condition: Chronic lymphocytic leukemia/small lymphocytic lymphoma. Review status: no classification provided. Collection method: in vitro. Allele origin: not applicable. Functional consequence: retained intron. Not counted in ClinVar's aggregate classification.

Dr. Peter K. Rogan Lab, Western University
No classification provided (evidence only). Condition: Gastric cancer. Review status: no classification provided. Collection method: in vitro. Allele origin: not applicable. Functional consequence: retained intron. Not counted in ClinVar's aggregate classification.

Dr. Peter K. Rogan Lab, Western University
No classification provided (evidence only). Condition: Chronic lymphocytic leukemia/small lymphocytic lymphoma. Review status: no classification provided. Collection method: in vitro. Allele origin: not applicable. Functional consequence: retained intron. Not counted in ClinVar's aggregate classification.

Dr. Peter K. Rogan Lab, Western University
No classification provided (evidence only). Condition: Nonpapillary renal cell carcinoma. Review status: no classification provided. Collection method: in vitro. Allele origin: not applicable. Functional consequence: skipped exon, retained intron. Not counted in ClinVar's aggregate classification.

Dr. Peter K. Rogan Lab, Western University
No classification provided (evidence only). Condition: Uterine carcinosarcoma. Review status: no classification provided. Collection method: in vitro. Allele origin: not applicable. Functional consequence: skipped exon. Not counted in ClinVar's aggregate classification.

Dr. Peter K. Rogan Lab, Western University
No classification provided (evidence only). Condition: Chronic lymphocytic leukemia/small lymphocytic lymphoma. Review status: no classification provided. Collection method: in vitro. Allele origin: not applicable. Functional consequence: retained intron. Not counted in ClinVar's aggregate classification.

Dr. Peter K. Rogan Lab, Western University
No classification provided (evidence only). Condition: Nonpapillary renal cell carcinoma. Review status: no classification provided. Collection method: in vitro. Allele origin: not applicable. Functional consequence: retained intron. Not counted in ClinVar's aggregate classification.

Dr. Peter K. Rogan Lab, Western University
No classification provided (evidence only). Condition: Familial pancreatic carcinoma. Review status: no classification provided. Collection method: in vitro. Allele origin: not applicable. Functional consequence: retained intron. Not counted in ClinVar's aggregate classification.

Dr. Peter K. Rogan Lab, Western University
No classification provided (evidence only). Condition: Hepatocellular carcinoma. Review status: no classification provided. Collection method: in vitro. Allele origin: not applicable. Functional consequence: skipped exon. Not counted in ClinVar's aggregate classification.

Dr. Peter K. Rogan Lab, Western University
No classification provided (evidence only). Condition: Ovarian cancer. Review status: no classification provided. Collection method: in vitro. Allele origin: not applicable. Functional consequence: retained intron. Not counted in ClinVar's aggregate classification.

Dr. Peter K. Rogan Lab, Western University
No classification provided (evidence only). Condition: Hepatocellular carcinoma. Review status: no classification provided. Collection method: in vitro. Allele origin: not applicable. Functional consequence: retained intron. Not counted in ClinVar's aggregate classification.

Dr. Peter K. Rogan Lab, Western University
No classification provided (evidence only). Condition: Lymphoma. Review status: no classification provided. Collection method: in vitro. Allele origin: not applicable. Functional consequence: skipped exon. Not counted in ClinVar's aggregate classification.

Dr. Peter K. Rogan Lab, Western University
No classification provided (evidence only). Condition: Ovarian cancer. Review status: no classification provided. Collection method: in vitro. Allele origin: not applicable. Functional consequence: skipped exon. Not counted in ClinVar's aggregate classification.

Dr. Peter K. Rogan Lab, Western University
No classification provided (evidence only). Condition: Hepatocellular carcinoma. Review status: no classification provided. Collection method: in vitro. Allele origin: not applicable. Functional consequence: retained intron. Not counted in ClinVar's aggregate classification.

Dr. Peter K. Rogan Lab, Western University
No classification provided (evidence only). Condition: Lymphoma. Review status: no classification provided. Collection method: in vitro. Allele origin: not applicable. Functional consequence: skipped exon. Not counted in ClinVar's aggregate classification.

Dr. Peter K. Rogan Lab, Western University
No classification provided (evidence only). Condition: Ovarian cancer. Review status: no classification provided. Collection method: in vitro. Allele origin: not applicable. Functional consequence: retained intron. Not counted in ClinVar's aggregate classification.